The following is an entry in ClinVar:

ClinVar aggregate classification (germline): Conflicting classifications of pathogenicity. Review status: criteria provided, conflicting classifications (1 of 4 stars). 2 submissions from 2 submitters: Uncertain significance (1); Likely benign (1). Last evaluated 2026-07-11.

gnomAD v4.1: 2 of 1,613,986 alleles (0.00012%); highest among the groups gnomAD compares: African/African-American, 0.0013%; no homozygotes.

Submissions (2):

Ambry Genetics
Classification: Likely benign. Last evaluated: 2026-07-11. Review status: criteria provided, single submitter. Criteria: Ambry Variant Classification Scheme 2023. Collection method: clinical testing. Allele origin: germline.

Labcorp Genetics (formerly Invitae), Labcorp
Classification: Uncertain significance. Last evaluated: 2025-05-12. Review status: criteria provided, single submitter. Criteria: Invitae Variant Classification Sherloc (09022015). Collection method: clinical testing. Allele origin: germline.
Comment: This sequence change replaces alanine, which is neutral and non-polar, with valine, which is neutral and non-polar, at codon 807 of the GEN1 protein (p.Ala807Val). This variant is present in population databases (no rsID available, gnomAD 0.007%). This variant has not been reported in the literature in individuals affected with GEN1-related conditions. An algorithm developed to predict the effect of missense changes on protein structure and function outputs the following: PolyPhen-2: "Benign". The valine amino acid residue is found in multiple mammalian species, which suggests that this missense change does not adversely affect protein function. In summary, the available evidence is currently insufficient to determine the role of this variant in disease. Therefore, it has been classified as a Variant of Uncertain Significance.

NM_001130009.3(GEN1):c.2420C>T (p.Ala807Val)

Gene: GEN1 (GEN1 structure-specific endonuclease; plus strand). Cytogenetic location: 2p24.2.
Variant type: single nucleotide variant.
Coding change: c.2420C>T on transcript NM_001130009.3 (MANE Select); coding-DNA position 2420, C replaced by T.
Protein change: p.Ala807Val; replaces alanine 807 with valine.
Molecular consequence: missense variant.
Genome position (GRCh38, 1-based): chr2:17,781,632, C>T. VCF-style: chr2-17781632-C-T. GRCh37 (hg19) VCF-style: chr2-17962899-C-T.
Other names: c.2420C>T, p.Ala807Val (NM_182625.5); c.2420C>T (NM_001130009.1); short protein forms A807V.
Identifiers: ClinVar variation 4707886 (VCV004707886.2).
Genomic context (GRCh38, chr2:17,781,632, plus strand): 5'-GGAAAATTTTAATGAAGAAGAGTGTTTGCCTTGACAGACATTCCTCTGATGAACAAAGTG[C>T]CCCAGTGTTTGGGAAAGCTAAGTACACAACTCAAAGAATGAAGCACAGTTCTCAAAAGCA-3'
Protein context (NP_001123481.3, residues 797-817): LDRHSSDEQS[Ala807Val]PVFGKAKYTT